The following is an entry in ClinVar:

ClinVar aggregate classification (germline): Likely benign (0 of 4 stars; one submission).

Conditions:
NAT2-related disorder. Also called: NAT2-related condition.

Allele frequency attached by ClinVar (database versions not stated): TOPMed below 0.00001.
gnomAD v4.1: 21 of 1,613,532 alleles (0.0013%); highest among the groups gnomAD compares: Non-Finnish European, 0.0017%; no homozygotes.

Submission:

PreventionGenetics, part of Exact Sciences
Classification: Likely benign for NAT2-related condition. Last evaluated: 2022-01-27. Review status: no assertion criteria provided. Collection method: clinical testing. Allele origin: germline.
Comment: This variant is classified as likely benign based on ACMG/AMP sequence variant interpretation guidelines (Richards et al. 2015 PMID: 25741868, with internal and published modifications).

NM_000015.3(NAT2):c.504G>A (p.Gln168=)

Gene: NAT2 (N-acetyltransferase 2; plus strand). Cytogenetic location: 8p22.
Variant type: single nucleotide variant.
Coding change: c.504G>A on transcript NM_000015.3 (MANE Select); coding-DNA position 504, G replaced by A.
Protein change: p.Gln168=; no amino-acid change (glutamine 168 retained).
Molecular consequence: synonymous variant.
Genome position (GRCh38, 1-based): chr8:18,400,507, G>A. VCF-style: chr8-18400507-G-A. GRCh37 (hg19) VCF-style: chr8-18258017-G-A.
Identifiers: ClinVar variation 3046292 (VCV003046292.2), dbSNP rs1315180839, ClinGen allele CA459881153.